The following is an entry in ClinVar:

NM_014339.7(IL17RA):c.138+12C>T

Gene: IL17RA (interleukin 17 receptor A; plus strand). Cytogenetic location: 22q11.1.
Variant type: single nucleotide variant.
Coding change: c.138+12C>T on transcript NM_014339.7 (MANE Select); 12 bases into the intron after coding-DNA position 138, C replaced by T.
Molecular consequence: intron variant.
Genome position (GRCh38, 1-based): chr22:17,085,241, C>T. VCF-style: chr22-17085241-C-T. GRCh37 (hg19) VCF-style: chr22-17566131-C-T.
Other names: c.138+12C>T (NM_001289905.2).
Identifiers: ClinVar variation 340564 (VCV000340564.13), dbSNP rs534287611, ClinGen allele CA10086217.

ClinVar aggregate classification (germline): Benign/Likely benign. Review status: criteria provided, multiple submitters, no conflicts (2 of 4 stars). 3 submissions from 3 submitters: Benign (2); Likely benign (1). Last evaluated 2026-01-21.

Conditions:
Immunodeficiency 51 (IMD51). Also called: CANDIDIASIS, FAMILIAL, 5. Identifiers: Orphanet 1334, MedGen C4310803, MONDO:0013500, OMIM 613953.

Allele frequency attached by ClinVar (database versions not stated): gnomAD below 0.00001 and 0.00029; TOPMed 0.00006; gnomAD exomes 0.00062 and 0.00168; 1000 Genomes Project 30x 0.00203; 1000 Genomes Project 0.00220; ExAC 0.00795.

Submissions (3):

Labcorp Genetics (formerly Invitae), Labcorp
Classification: Benign for Immunodeficiency 51. Last evaluated: 2026-01-21. Review status: criteria provided, single submitter. Criteria: Invitae Variant Classification Sherloc (09022015). Collection method: clinical testing. Allele origin: germline.

Blueprint Genetics
Classification: Likely benign. Last evaluated: 2024-11-11. Review status: criteria provided, single submitter. Criteria: ACMG Guidelines, 2015. Collection method: clinical testing. Allele origin: germline.

Illumina Laboratory Services, Illumina
Classification: Benign for Immunodeficiency 51. Last evaluated: 2018-01-13. Review status: criteria provided, single submitter. Criteria: ICSL Variant Classification Criteria 13 December 2019. Collection method: clinical testing. Allele origin: germline.
Comment: This variant was observed in the ICSL laboratory as part of a predisposition screen in an ostensibly healthy population. It had not been previously curated by ICSL or reported in the Human Gene Mutation Database (HGMD: prior to June 1st, 2018), and was therefore a candidate for classification through an automated scoring system. Utilizing variant allele frequency, disease prevalence and penetrance estimates, and inheritance mode, an automated score was calculated to assess if this variant is too frequent to cause the disease. Based on the score and internal cut-off values, a variant classified as benign is not then subjected to further curation. The score for this variant resulted in a classification of benign for this disease.